The following is an entry in ClinVar:

ClinVar aggregate classification (germline): Conflicting classifications of pathogenicity. Review status: criteria provided, conflicting classifications (1 of 4 stars). 2 submissions from 2 submitters: Uncertain significance (1); Likely benign (1). Last evaluated 2025-11-03.

Conditions:
Ehlers-Danlos syndrome, classic type, 1 (EDSCL1). Also called: EHLERS-DANLOS SYNDROME, GRAVIS TYPE; EHLERS-DANLOS SYNDROME, SEVERE CLASSIC TYPE; Ehlers-Danlos syndrome, type 1; Ehlers-Danlos Syndrome, Classic Type, COL5A1-Related; EDS I. Identifiers: MedGen C0268335, MONDO:0019567, OMIM 130000.

Allele frequency attached by ClinVar (database versions not stated): ExAC 0.00001; gnomAD exomes below 0.00001; gnomAD 0.00001.
gnomAD v4.1: 31 of 1,614,006 alleles (0.0019%); highest among the groups gnomAD compares: Non-Finnish European, 0.0025%; no homozygotes.

Submissions (2):

Labcorp Genetics (formerly Invitae), Labcorp
Classification: Likely benign for Ehlers-Danlos syndrome, classic type, 1. Last evaluated: 2025-11-03. Review status: criteria provided, single submitter. Criteria: Invitae Variant Classification Sherloc (09022015). Collection method: clinical testing. Allele origin: germline.

GeneDx
Classification: Uncertain significance. Last evaluated: 2024-12-12. Review status: criteria provided, single submitter. Criteria: GeneDx Variant Classification Process June 2021. Collection method: clinical testing. Allele origin: germline. Affected: yes.
Comment: Not observed at significant frequency in large population cohorts (gnomAD); In silico analysis supports that this missense variant has a deleterious effect on protein structure/function; Has not been previously published as pathogenic or benign to our knowledge

NM_000393.5(COL5A2):c.2623C>T (p.Pro875Ser)

Gene: COL5A2 (collagen type V alpha 2 chain; minus strand). Cytogenetic location: 2q32.2.
Variant type: single nucleotide variant.
Coding change: c.2623C>T on transcript NM_000393.5 (MANE Select); coding-DNA position 2623, C replaced by T.
Protein change: p.Pro875Ser; replaces proline 875 with serine.
Molecular consequence: missense variant.
Genome position (GRCh38, 1-based): chr2:189,052,949, G>A on the plus strand (C>T on the coding strand, the complement: COL5A2 is on the minus strand). VCF-style: chr2-189052949-G-A. GRCh37 (hg19) VCF-style: chr2-189917675-G-A.
Other names: c.2623C>T (NM_000393.3); short protein forms P875S.
Identifiers: ClinVar variation 1384618 (VCV001384618.9), dbSNP rs754389345, ClinGen allele CA2022257.
Genomic context (GRCh38, chr2:189,052,949, plus strand): 5'-TGCCTTTTTCTTGTTAACTTACATGAGGGCCAGGGGATCCTGCTAAACCTTGTGGTCCAG[G>A]AGAACCAGCATCTCCCTTCTGTCCTGGCTCTCCAGGTTCACCTTTTACTCCAGGCTGTCC-3'
Protein context (NP_000384.2, residues 865-885): EPGQKGDAGS[Pro875Ser]GPQGLAGSPG